The following is an entry in ClinVar:

NM_001792.5(CDH2):c.2587A>T (p.Ser863Cys)

Genes: CDH2 (cadherin 2; minus strand), CDH2-AS1 (CDH2 antisense RNA 1; plus strand). Cytogenetic location: 18q12.1.
Variant type: single nucleotide variant.
Coding change: c.2587A>T on transcript NM_001792.5 (MANE Select); coding-DNA position 2587, A replaced by T.
Protein change: p.Ser863Cys; replaces serine 863 with cysteine.
Molecular consequence: missense variant.
Genome position (GRCh38, 1-based): chr18:27,952,287, T>A on the plus strand (A>T on the coding strand, the complement: CDH2 is on the minus strand). VCF-style: chr18-27952287-T-A. GRCh37 (hg19) VCF-style: chr18-25532251-T-A.
Other names: c.2494A>T, p.Ser832Cys (NM_001308176.2); short protein forms S832C, S863C.
Identifiers: ClinVar variation 3221792 (VCV003221792.2), dbSNP rs764766275, ClinGen allele CA8923107.

ClinVar aggregate classification (germline): Uncertain significance. Review status: criteria provided, multiple submitters, no conflicts (2 of 4 stars). 2 submissions from 2 submitters: Uncertain significance (2). Last evaluated 2025-08-15.

Conditions:
Inborn genetic diseases. Identifiers: MedGen C0950123, MeSH D030342.

Allele frequency attached by ClinVar (database versions not stated): ExAC 0.00001.

Submissions (2):

Labcorp Genetics (formerly Invitae), Labcorp
Classification: Uncertain significance. Last evaluated: 2025-08-15. Review status: criteria provided, single submitter. Criteria: Invitae Variant Classification Sherloc (09022015). Collection method: clinical testing. Allele origin: germline.
Comment: This sequence change replaces serine, which is neutral and polar, with cysteine, which is neutral and slightly polar, at codon 863 of the CDH2 protein (p.Ser863Cys). This variant is present in population databases (rs764766275, gnomAD 0.003%). This variant has not been reported in the literature in individuals affected with CDH2-related conditions. ClinVar contains an entry for this variant (Variation ID: 3221792). An algorithm developed to predict the effect of missense changes on protein structure and function (PolyPhen-2) suggests that this variant is likely to be disruptive. In summary, the available evidence is currently insufficient to determine the role of this variant in disease. Therefore, it has been classified as a Variant of Uncertain Significance.

Ambry Genetics
Classification: Uncertain significance for Inborn genetic diseases. Last evaluated: 2023-09-25. Review status: criteria provided, single submitter. Criteria: Ambry Variant Classification Scheme 2023. Collection method: clinical testing. Allele origin: germline.
Comment: The p.S863C variant (also known as c.2587A>T), located in coding exon 16 of the CDH2 gene, results from an A to T substitution at nucleotide position 2587. The serine at codon 863 is replaced by cysteine, an amino acid with dissimilar properties. This amino acid position is conserved. In addition, the in silico prediction for this alteration is inconclusive. Since supporting evidence is limited at this time, the clinical significance of this alteration remains unclear.